The following is an entry in ClinVar:

NM_004817.4(TJP2):c.848G>A (p.Arg283Gln)

Gene: TJP2 (tight junction protein 2; plus strand). Cytogenetic location: 9q21.11.
Variant type: single nucleotide variant.
Coding change: c.848G>A on transcript NM_004817.4 (MANE Select); coding-DNA position 848, G replaced by A.
Protein change: p.Arg283Gln; replaces arginine 283 with glutamine.
Molecular consequence: missense variant.
Genome position (GRCh38, 1-based): chr9:69,221,392, G>A. VCF-style: chr9-69221392-G-A. GRCh37 (hg19) VCF-style: chr9-71836308-G-A.
Other names: c.779G>A, p.Arg260Gln (NM_001170414.2, NM_001369870.1, NM_001369871.1); c.860G>A, p.Arg287Gln (NM_001170415.1, NM_001369874.1, NM_001369875.1); c.941G>A, p.Arg314Gln (NM_001170416.2); c.848G>A, p.Arg283Gln (NM_001369872.1, NM_001369873.1, NM_201629.3 and 1 more transcripts); c.848G>A (NM_004817.3); short protein forms R283Q, R287Q, R314Q, R260Q.
Identifiers: ClinVar variation 502020 (VCV000502020.14), dbSNP rs748102718, ClinGen allele CA5073112.

ClinVar aggregate classification (germline): Conflicting classifications of pathogenicity. Review status: criteria provided, conflicting classifications (1 of 4 stars). 3 submissions from 3 submitters: Uncertain significance (1); Likely benign (1). 1 of the submissions does not count toward it. Last evaluated 2025-12-22.

Conditions:
TJP2-related disorder. Also called: TJP2-related condition.

Allele frequency attached by ClinVar (database versions not stated): gnomAD 0.00004 and 0.00005; gnomAD exomes 0.00006 and 0.00036; TOPMed 0.00016; ExAC 0.00034.
gnomAD v4.1: 92 of 1,581,354 alleles (0.0058%); highest among the groups gnomAD compares: Admixed American, 0.15%; no homozygotes.

Submissions (3):

Labcorp Genetics (formerly Invitae), Labcorp
Classification: Likely benign. Last evaluated: 2025-12-22. Review status: criteria provided, single submitter. Criteria: Invitae Variant Classification Sherloc (09022015). Collection method: clinical testing. Allele origin: germline.

Eurofins Ntd Llc (ga)
Classification: Uncertain significance. Last evaluated: 2018-02-13. Review status: criteria provided, single submitter. Criteria: EGL ClinVar v180209 classification definitions. Collection method: clinical testing. Allele origin: germline. Observed: 2 variant alleles, 2 heterozygotes.

PreventionGenetics, part of Exact Sciences
Classification: Likely benign for TJP2-related condition. Last evaluated: 2022-01-22. Review status: no assertion criteria provided. Collection method: clinical testing. Allele origin: germline. Not counted in ClinVar's aggregate classification.
Comment: This variant is classified as likely benign based on ACMG/AMP sequence variant interpretation guidelines (Richards et al. 2015 PMID: 25741868, with internal and published modifications).